The following is an entry in ClinVar:

NM_000051.4(ATM):c.6921T>G (p.Leu2307=)

Genes: ATM (ATM serine/threonine kinase; plus strand), C11orf65 (chromosome 11 open reading frame 65; minus strand). Cytogenetic location: 11q22.3.
Variant type: single nucleotide variant.
Coding change: c.6921T>G on transcript NM_000051.4 (MANE Select); coding-DNA position 6921, T replaced by G.
Protein change: p.Leu2307=; no amino-acid change (leucine 2307 retained).
Molecular consequence: synonymous variant. On other transcripts: intron variant (2).
Genome position (GRCh38, 1-based): chr11:108,326,171, T>G. VCF-style: chr11-108326171-T-G. GRCh37 (hg19) VCF-style: chr11-108196898-T-G.
Other names: c.6921T>G, p.Leu2307= (NM_001351834.2); c.641-17100A>C (NM_001330368.2); c.*38+9049A>C (NM_001351110.2).
Identifiers: ClinVar variation 490681 (VCV000490681.15), dbSNP rs1555119966, ClinGen allele CA476676368.

ClinVar aggregate classification (germline): Benign/Likely benign. Review status: criteria provided, multiple submitters, no conflicts (2 of 4 stars). 4 submissions from 4 submitters: Benign (1); Likely benign (3). Last evaluated 2025-10-15.

Conditions:
Hereditary cancer-predisposing syndrome. Also called: Neoplastic Syndromes, Hereditary; Hereditary Cancer Syndrome; Tumor predisposition; Hereditary neoplastic syndrome. Identifiers: Orphanet 140162, MedGen C0027672, MeSH D009386, MONDO:0015356.
Ataxia-telangiectasia syndrome (AT). Also called: LOUIS-BAR SYNDROME; Cerebello-oculocutaneous telangiectasia; Immunodeficiency with ataxia telangiectasia; Ataxia-telangiectasia, complementation group D; AT, COMPLEMENTATION GROUP C; Ataxia-telangiectasia, complementation group E. Identifiers: Orphanet 100, MedGen C0004135, MONDO:0008840, OMIM 208900.
Familial cancer of breast. Also called: Hereditary breast cancer; BREAST CANCER, FAMILIAL; hereditary breast carcinoma. Identifiers: Orphanet 227535, MedGen C0346153, MONDO:0016419, OMIM 114480. Disease mechanism: loss of function.

Submissions (4):

Labcorp Genetics (formerly Invitae), Labcorp
Classification: Likely benign for Ataxia-telangiectasia syndrome. Last evaluated: 2025-10-15. Review status: criteria provided, single submitter. Criteria: Invitae Variant Classification Sherloc (09022015). Collection method: clinical testing. Allele origin: germline.

Myriad Genetics, Inc.
Classification: Benign for Familial cancer of breast. Last evaluated: 2024-06-12. Review status: criteria provided, single submitter. Criteria: Myriad Autosomal Dominant, Autosomal Recessive and X-Linked Classification Criteria (2023). Collection method: clinical testing. Allele origin: unknown.
Comment: This variant is considered benign. This variant is a silent/synonymous amino acid change and it is not expected to impact splicing.

Ambry Genetics
Classification: Likely benign for Hereditary cancer-predisposing syndrome. Last evaluated: 2019-10-25. Review status: criteria provided, single submitter. Criteria: Ambry Variant Classification Scheme 2023. Collection method: clinical testing. Allele origin: germline.

Color Diagnostics, LLC DBA Color Health
Classification: Likely benign for Hereditary cancer-predisposing syndrome. Last evaluated: 2016-12-08. Review status: criteria provided, single submitter. Criteria: ACMG Guidelines, 2015. Collection method: clinical testing. Allele origin: germline.